The following is an entry in ClinVar:

NM_007294.4(BRCA1):c.1150G>C (p.Glu384Gln)

Gene: BRCA1 (BRCA1 DNA repair associated; minus strand). Cytogenetic location: 17q21.31.
Variant type: single nucleotide variant.
Coding change: c.1150G>C on transcript NM_007294.4 (MANE Select); coding-DNA position 1150, G replaced by C.
Protein change: p.Glu384Gln; replaces glutamic acid 384 with glutamine.
Molecular consequence: missense variant. On other transcripts: intron variant (137).
Genome position (GRCh38, 1-based): chr17:43,094,381, C>G on the plus strand (G>C on the coding strand, the complement: BRCA1 is on the minus strand). VCF-style: chr17-43094381-C-G. GRCh37 (hg19) VCF-style: chr17-41246398-C-G.
Other names: c.886G>C, p.Glu296Gln (NM_001407935.1, NM_001407920.1, NM_001407921.1 and 9 more transcripts); c.883G>C, p.Glu295Gln (NM_001407936.1, NM_001407930.1, NM_001407931.1 and 2 more transcripts); c.1027G>C, p.Glu343Gln (NM_001407937.1, NM_001407938.1, NM_001407939.1 and 19 more transcripts); c.1024G>C, p.Glu342Gln (NM_001407940.1, NM_001407941.1, NM_001407649.1 and 11 more transcripts); c.1009G>C, p.Glu337Gln (NM_001407942.1, NM_001407692.1, NM_001407694.1 and 29 more transcripts); c.1006G>C, p.Glu336Gln (NM_001407943.1, NM_001407740.1, NM_001407741.1 and 20 more transcripts); c.937G>C, p.Glu313Gln (NM_001407571.1, NM_001407853.1, NM_001407894.1 and 9 more transcripts); c.1150G>C, p.Glu384Gln (NM_001407581.1, NM_001407582.1, NM_001407583.1 and 30 more transcripts); and 40 more; short protein forms E216Q, E272Q, E295Q, E313Q, E316Q, E357Q, E381Q, E383Q.
Identifiers: ClinVar variation 3481896 (VCV003481896.1).
Genomic context (GRCh38, chr17:43,094,381, plus strand): 5'-CAGACTCCCCATCATGTGAGTCATCAGAACCTAACAGTTCATCACTTCTGGAAAACCACT[C>G]ATTAACTTTCTGAATGCTGCTATTTAGTGTTATCCAAGGAACATCTTCAGTATCTCTAGG-3'
Protein context (NP_009225.1, residues 374-394): TLNSSIQKVN[Glu384Gln]WFSRSDELLG

ClinVar aggregate classification (germline): Uncertain significance (1 of 4 stars; one submission).

Conditions:
Hereditary cancer-predisposing syndrome. Also called: Tumor predisposition; Neoplastic Syndromes, Hereditary; Hereditary Cancer Syndrome; Hereditary neoplastic syndrome. Identifiers: Orphanet 140162, MedGen C0027672, MeSH D009386, MONDO:0015356.

Submission:

Ambry Genetics
Classification: Uncertain significance for Hereditary cancer-predisposing syndrome. Last evaluated: 2024-11-22. Review status: criteria provided, single submitter. Criteria: Ambry Variant Classification Scheme 2023. Collection method: clinical testing. Allele origin: germline.
Comment: The p.E384Q variant (also known as c.1150G>C), located in coding exon 9 of the BRCA1 gene, results from a G to C substitution at nucleotide position 1150. The glutamic acid at codon 384 is replaced by glutamine, an amino acid with highly similar properties. This amino acid position is well conserved in available vertebrate species. In addition, this alteration is predicted to be deleterious by in silico analysis. Based on the available evidence, the clinical significance of this variant remains unclear.